The following is an entry in ClinVar:

NM_005559.4(LAMA1):c.347T>G (p.Val116Gly)

Gene: LAMA1 (laminin subunit alpha 1; minus strand). Cytogenetic location: 18p11.31.
Variant type: single nucleotide variant.
Coding change: c.347T>G on transcript NM_005559.4 (MANE Select); coding-DNA position 347, T replaced by G.
Protein change: p.Val116Gly; replaces valine 116 with glycine.
Molecular consequence: missense variant.
Genome position (GRCh38, 1-based): chr18:7,050,935, A>C on the plus strand (T>G on the coding strand, the complement: LAMA1 is on the minus strand). VCF-style: chr18-7050935-A-C. GRCh37 (hg19) VCF-style: chr18-7050934-A-C.
Other names: short protein forms V116G.
Identifiers: ClinVar variation 1312772 (VCV001312772.2), dbSNP rs946418722, ClinGen allele CA295763361.

ClinVar aggregate classification (germline): Uncertain significance (1 of 4 stars; one submission).

Allele frequency attached by ClinVar (database versions not stated): gnomAD exomes below 0.00001.
gnomAD v4.1: 1 of 1,614,096 alleles (0.000062%); highest among the groups gnomAD compares: Non-Finnish European, 0.000085%; no homozygotes.

Submission:

GeneDx
Classification: Uncertain significance. Last evaluated: 2020-06-24. Review status: criteria provided, single submitter. Criteria: GeneDx Variant Classification Process June 2021. Collection method: clinical testing. Allele origin: germline. Affected: yes.
Comment: Not observed in large population cohorts (Lek et al., 2016); In silico analysis supports that this missense variant has a deleterious effect on protein structure/function; Has not been previously published as pathogenic or benign to our knowledge